The following is an entry in ClinVar:

NM_001199397.3(NEK1):c.1310T>C (p.Phe437Ser)

Gene: NEK1 (NIMA related kinase 1; minus strand). Cytogenetic location: 4q33.
Variant type: single nucleotide variant.
Coding change: c.1310T>C on transcript NM_001199397.3 (MANE Select); coding-DNA position 1310, T replaced by C.
Protein change: p.Phe437Ser; replaces phenylalanine 437 with serine.
Molecular consequence: missense variant. On other transcripts: non-coding transcript variant (1).
Genome position (GRCh38, 1-based): chr4:169,556,052, A>G on the plus strand (T>C on the coding strand, the complement: NEK1 is on the minus strand). VCF-style: chr4-169556052-A-G. GRCh37 (hg19) VCF-style: chr4-170477203-A-G.
Other names: c.1310T>C, p.Phe437Ser (NM_001199398.3, NM_001199400.3, NM_001374418.1 and 6 more transcripts); c.1235T>C, p.Phe412Ser (NM_001199399.3); c.1259T>C, p.Phe420Ser (NM_001374420.1); c.1184T>C, p.Phe395Ser (NM_001374421.1); c.689T>C, p.Phe230Ser (NM_001440624.1, NM_001440625.1); short protein forms F230S, F395S, F412S, F420S, F437S.
Identifiers: ClinVar variation 4538799 (VCV004538799.1).

ClinVar aggregate classification (germline): Uncertain significance (1 of 4 stars; one submission).

Submission:

GeneDx
Classification: Uncertain significance. Last evaluated: 2025-06-16. Review status: criteria provided, single submitter. Criteria: GeneDx Variant Classification Process June 2021. Collection method: clinical testing. Allele origin: germline. Affected: yes.
Comment: Not observed at significant frequency in large population cohorts (gnomAD); In silico analysis suggests that this missense variant does not alter protein structure/function; Has not been previously published as pathogenic or benign to our knowledge